The following is an entry in ClinVar:

NM_000038.6(APC):c.1548+4T>C

Gene: APC (APC regulator of Wnt signaling pathway; plus strand). Cytogenetic location: 5q22.2.
Variant type: single nucleotide variant.
Coding change: c.1548+4T>C on transcript NM_000038.6 (MANE Select); 4 bases into the intron after coding-DNA position 1548, T replaced by C.
Molecular consequence: intron variant.
Genome position (GRCh38, 1-based): chr5:112,827,251, T>C. VCF-style: chr5-112827251-T-C. GRCh37 (hg19) VCF-style: chr5-112162948-T-C.
Other names: c.1548+4T>C (NM_001354895.2, NM_001127510.3); c.1578+4T>C (NM_001354897.2); c.1275+4T>C (NM_001354902.2); c.1494+4T>C (NM_001127511.3); c.1473+4T>C (NM_001354898.2); c.1170+4T>C (NM_001354904.2); c.699+4T>C (NM_001354906.2); c.1602+4T>C (NM_001354896.2); and 5 more.
Identifiers: ClinVar variation 1392181 (VCV001392181.6), dbSNP rs754275272, ClinGen allele CA028231.

ClinVar aggregate classification (germline): Uncertain significance (1 of 4 stars; one submission).

Conditions:
Familial adenomatous polyposis 1 (FAP1). Also called: FAMILIAL ADENOMATOUS POLYPOSIS 1, ATTENUATED; POLYPOSIS, ADENOMATOUS INTESTINAL. Identifiers: MedGen C2713442, MONDO:0021056, OMIM 175100. Disease mechanism: loss of function.

Allele frequency attached by ClinVar (database versions not stated): gnomAD exomes below 0.00001; ExAC 0.00001.
gnomAD v4.1: 1 of 1,613,766 alleles (0.000062%); highest among the groups gnomAD compares: South Asian, 0.0011%; no homozygotes.

Submission:

Labcorp Genetics (formerly Invitae), Labcorp
Classification: Uncertain significance for Familial adenomatous polyposis 1. Last evaluated: 2020-11-27. Review status: criteria provided, single submitter. Criteria: Invitae Variant Classification Sherloc (09022015). Collection method: clinical testing. Allele origin: germline.
Comment: This sequence change falls in intron 12 of the APC gene. It does not directly change the encoded amino acid sequence of the APC protein. It affects a nucleotide within the consensus splice site of the intron. This variant is present in population databases (rs754275272, ExAC 0.006%). This variant has not been reported in the literature in individuals with APC-related conditions. Nucleotide substitutions within the consensus splice site are a relatively common cause of aberrant splicing (PMID: 17576681, 9536098). Algorithms developed to predict the effect of sequence changes on RNA splicing suggest that this variant is not likely to affect RNA splicing, but this prediction has not been confirmed by published transcriptional studies. In summary, the available evidence is currently insufficient to determine the role of this variant in disease. Therefore, it has been classified as a Variant of Uncertain Significance.

Literature cited by the submitters: PubMed 17576681; PubMed 9536098.